The following is an entry in ClinVar:

ClinVar aggregate classification (germline): Likely benign. Review status: criteria provided, multiple submitters, no conflicts (2 of 4 stars). 2 submissions from 2 submitters: Likely benign (2). Last evaluated 2024-03-24.

Conditions:
Jeune thoracic dystrophy. Also called: Jeune syndrome; Infantile thoracic dystrophy; Thoracic pelvic phalangeal dystrophy; Jeune's syndrome; Chondroectodermal dysplasia-like syndrome; Short-rib thoracic dysplasia. Identifiers: Orphanet 474, MedGen C0265275, MONDO:0018770.

Allele frequency attached by ClinVar (database versions not stated): gnomAD 0.00001; TOPMed 0.00001.
gnomAD v4.1: 16 of 1,596,564 alleles (0.001%); highest among the groups gnomAD compares: Admixed American, 0.0087%; no homozygotes.

Submissions (2):

Labcorp Genetics (formerly Invitae), Labcorp
Classification: Likely benign for Jeune thoracic dystrophy. Last evaluated: 2024-03-24. Review status: criteria provided, single submitter. Criteria: Invitae Variant Classification Sherloc (09022015). Collection method: clinical testing. Allele origin: germline.

GeneDx
Classification: Likely benign. Last evaluated: 2018-05-22. Review status: criteria provided, single submitter. Criteria: GeneDx Variant Classification (06012015). Collection method: clinical testing. Allele origin: germline. Affected: yes.
Comment: This variant is considered likely benign or benign based on one or more of the following criteria: it is a conservative change, it occurs at a poorly conserved position in the protein, it is predicted to be benign by multiple in silico algorithms, and/or has population frequency not consistent with disease.

NM_001377.3(DYNC2H1):c.4969-12G>A

Gene: DYNC2H1 (dynein cytoplasmic 2 heavy chain 1; plus strand). Cytogenetic location: 11q22.3.
Variant type: single nucleotide variant.
Coding change: c.4969-12G>A on transcript NM_001377.3 (MANE Select); 12 bases into the intron before coding-DNA position 4969, G replaced by A.
Molecular consequence: intron variant.
Genome position (GRCh38, 1-based): chr11:103,170,096, G>A. VCF-style: chr11-103170096-G-A. GRCh37 (hg19) VCF-style: chr11-103040825-G-A.
Other names: c.4969-12G>A (NM_001080463.2).
Identifiers: ClinVar variation 668655 (VCV000668655.4), dbSNP rs1416444641, ClinGen allele CA601670228.
Genomic context (GRCh38, chr11:103,170,096, plus strand): 5'-CTCATGCTGTAAAAATATTTGTAAATGTTGAATAGAACATGAATACTCTGACTTTGTGTT[G>A]TTCTTGTATAGGGTAATGCTTCCAAACTGGTTTATACTCCACTGACAGACAAGTGCTACT-3'